The following is an entry in ClinVar:

ClinVar aggregate classification (germline): Uncertain significance. Review status: criteria provided, multiple submitters, no conflicts (2 of 4 stars). 2 submissions from 2 submitters: Uncertain significance (2). Last evaluated 2024-05-29.

Conditions:
Joubert syndrome 17 (JBTS17). Identifiers: Orphanet 475, MedGen C3553264, MONDO:0013824, OMIM 614615.
Orofaciodigital syndrome type 6 (OFD6). Also called: OROFACIODIGITAL SYNDROME VI; OFDS VI; POLYDACTYLY, CLEFT LIP/PALATE OR LINGUAL LUMP, AND PSYCHOMOTOR RETARDATION; VARADI SYNDROME; VARADI-PAPP SYNDROME; Oral-facial-digital syndrome type 6. Identifiers: Orphanet 2754, MedGen C2745997, MONDO:0010176, OMIM 277170.

Allele frequency attached by ClinVar (database versions not stated): ESP Exome Variant Server 0.00008.
gnomAD v4.1: 11 of 1,610,966 alleles (0.00068%); highest among the groups gnomAD compares: African/African-American, 0.011%; no homozygotes.

Submissions (2):

Fulgent Genetics
Classification: Uncertain significance for Orofaciodigital syndrome type 6; Joubert syndrome 17. Last evaluated: 2024-05-29. Review status: criteria provided, single submitter. Criteria: ACMG Guidelines, 2015. Collection method: clinical testing. Allele origin: germline.

Labcorp Genetics (formerly Invitae), Labcorp
Classification: Uncertain significance. Last evaluated: 2022-10-17. Review status: criteria provided, single submitter. Criteria: Invitae Variant Classification Sherloc (09022015). Collection method: clinical testing. Allele origin: germline.
Comment: This sequence change replaces serine, which is neutral and polar, with proline, which is neutral and non-polar, at codon 3190 of the CPLANE1 protein (p.Ser3190Pro). This variant is present in population databases (rs368852403, gnomAD 0.02%). This variant has not been reported in the literature in individuals affected with CPLANE1-related conditions. ClinVar contains an entry for this variant (Variation ID: 1502061). Advanced modeling of protein sequence and biophysical properties (such as structural, functional, and spatial information, amino acid conservation, physicochemical variation, residue mobility, and thermodynamic stability) performed at Invitae indicates that this missense variant is not expected to disrupt CPLANE1 protein function. In summary, the available evidence is currently insufficient to determine the role of this variant in disease. Therefore, it has been classified as a Variant of Uncertain Significance.

NM_001384732.1(CPLANE1):c.9730T>C (p.Ser3244Pro)

Gene: CPLANE1 (ciliogenesis and planar polarity effector complex subunit 1; minus strand). Cytogenetic location: 5p13.2.
Variant type: single nucleotide variant.
Coding change: c.9730T>C on transcript NM_001384732.1 (MANE Select); coding-DNA position 9730, T replaced by C.
Protein change: p.Ser3244Pro; replaces serine 3244 with proline.
Molecular consequence: missense variant.
Genome position (GRCh38, 1-based): chr5:37,107,628, A>G on the plus strand (T>C on the coding strand, the complement: CPLANE1 is on the minus strand). VCF-style: chr5-37107628-A-G. GRCh37 (hg19) VCF-style: chr5-37107730-A-G.
Other names: c.9568T>C, p.Ser3190Pro (NM_023073.4); c.9568T>C (NM_023073.3); short protein forms S3190P, S3244P.
Identifiers: ClinVar variation 1502061 (VCV001502061.7), dbSNP rs368852403, ClinGen allele CA3237390.